The following is an entry in ClinVar:

ClinVar aggregate classification (germline): Uncertain significance (1 of 4 stars; one submission).

Conditions:
Hermansky-Pudlak syndrome 9 (HPS9). Identifiers: Orphanet 280663, Orphanet 79430, MedGen C3280026, MONDO:0013606, OMIM 614171.

Submission:

Labcorp Genetics (formerly Invitae), Labcorp
Classification: Uncertain significance for Hermansky-Pudlak syndrome 9. Last evaluated: 2022-07-15. Review status: criteria provided, single submitter. Criteria: Invitae Variant Classification Sherloc (09022015). Collection method: clinical testing. Allele origin: germline.
Comment: In summary, the available evidence is currently insufficient to determine the role of this variant in disease. Therefore, it has been classified as a Variant of Uncertain Significance. Variants that disrupt the consensus splice site are a relatively common cause of aberrant splicing (PMID: 17576681, 9536098). Algorithms developed to predict the effect of missense changes on protein structure and function are either unavailable or do not agree on the potential impact of this missense change (SIFT: "Deleterious"; PolyPhen-2: "Possibly Damaging"; Align-GVGD: "Class C0"). This variant has not been reported in the literature in individuals affected with BLOC1S6-related conditions. This variant is not present in population databases (gnomAD no frequency). This sequence change replaces glycine, which is neutral and non-polar, with arginine, which is basic and polar, at codon 28 of the BLOC1S6 protein (p.Gly28Arg). This variant also falls at the last nucleotide of exon 1, which is part of the consensus splice site for this exon.

Literature cited by the submitters: PubMed 17576681; PubMed 9536098.

NM_012388.4(BLOC1S6):c.82G>C (p.Gly28Arg)

Gene: BLOC1S6 (biogenesis of lysosomal organelles complex 1 subunit 6; plus strand). Cytogenetic location: 15q21.1.
Variant type: single nucleotide variant.
Coding change: c.82G>C on transcript NM_012388.4 (MANE Select); coding-DNA position 82, G replaced by C.
Protein change: p.Gly28Arg; replaces glycine 28 with arginine.
Molecular consequence: missense variant. On other transcripts: non-coding transcript variant (5).
Genome position (GRCh38, 1-based): chr15:45,587,525, G>C. VCF-style: chr15-45587525-G-C. GRCh37 (hg19) VCF-style: chr15-45879723-G-C.
Other names: short protein forms G28R.
Identifiers: ClinVar variation 2017307 (VCV002017307.4), dbSNP rs1893719499, ClinGen allele CA392297481.